The following is an entry in ClinVar:

NM_000038.6(APC):c.989T>G (p.Met330Arg)

Gene: APC (APC regulator of Wnt signaling pathway; plus strand). Cytogenetic location: 5q22.2.
Variant type: single nucleotide variant.
Coding change: c.989T>G on transcript NM_000038.6 (MANE Select); coding-DNA position 989, T replaced by G.
Protein change: p.Met330Arg; replaces methionine 330 with arginine.
Molecular consequence: missense variant. On other transcripts: intron variant (4).
Genome position (GRCh38, 1-based): chr5:112,819,021, T>G. VCF-style: chr5-112819021-T-G. GRCh37 (hg19) VCF-style: chr5-112154718-T-G.
Other names: c.989T>G, p.Met330Arg (NM_001127510.3, NM_001354895.2, NM_001354896.2); c.935T>G, p.Met312Arg (NM_001127511.3); c.1019T>G, p.Met340Arg (NM_001354897.2); c.914T>G, p.Met305Arg (NM_001354898.2); c.905T>G, p.Met302Arg (NM_001354899.2); c.812T>G, p.Met271Arg (NM_001354900.2, NM_001354901.2); c.140T>G, p.Met47Arg (NM_001354906.2); c.964-248T>G (NM_001354902.2); and 3 more; short protein forms M330R, M312R, M271R, M302R, M305R, M340R, M47R.
Identifiers: ClinVar variation 482359 (VCV000482359.5), dbSNP rs1554079959, ClinGen allele CA16023479.
Genomic context (GRCh38, chr5:112,819,021, plus strand): 5'-CACAGGTGGAAATGGTGTATTCATTGTTGTCAATGCTTGGTACTCATGATAAGGATGATA[T>G]GTCGCGAACTTTGCTAGCTATGTCTAGCTCCCAAGACAGCTGTATATCCATGCGACAGTC-3'
Protein context (NP_000029.2, residues 320-340): SMLGTHDKDD[Met330Arg]SRTLLAMSSS

ClinVar aggregate classification (germline): Uncertain significance (1 of 4 stars; one submission).

Conditions:
Hereditary cancer-predisposing syndrome. Also called: Neoplastic Syndromes, Hereditary; Tumor predisposition; Hereditary Cancer Syndrome; Hereditary neoplastic syndrome. Identifiers: Orphanet 140162, MedGen C0027672, MeSH D009386, MONDO:0015356.

Submission:

Ambry Genetics
Classification: Uncertain significance for Hereditary cancer-predisposing syndrome. Last evaluated: 2016-05-19. Review status: criteria provided, single submitter. Criteria: Ambry Variant Classification Scheme 2023. Collection method: clinical testing. Allele origin: germline.
Comment: The p.M330R variant (also known as c.989T>G), located in coding exon 9 of the APC gene, results from a T to G substitution at nucleotide position 989. The methionine at codon 330 is replaced by arginine, an amino acid with similar properties. This variant was not reported in population based cohorts in the following databases: Database of Single Nucleotide Polymorphisms (dbSNP), NHLBI Exome Sequencing Project (ESP), and 1000 Genomes Project. In the ESP, this variant was not observed in 6502 samples (13004 alleles) with coverage at this position. To date, this alteration has been detected with an allele frequency of approximately 0.001% (greater than 90000 alleles tested) in our clinical cohort. This amino acid position is highly conserved in available vertebrate species. In addition, in silico predictors for this gene do not accurately predict pathogenicity. Since supporting evidence is limited at this time, the clinical significance of this alteration remains unclear.